The following is an entry in ClinVar:

NM_001348323.3(TRIP12):c.2009C>T (p.Thr670Ile)

Gene: TRIP12 (thyroid hormone receptor interactor 12; minus strand). Cytogenetic location: 2q36.3.
Variant type: single nucleotide variant.
Coding change: c.2009C>T on transcript NM_001348323.3 (MANE Select); coding-DNA position 2009, C replaced by T.
Protein change: p.Thr670Ile; replaces threonine 670 with isoleucine.
Molecular consequence: missense variant.
Genome position (GRCh38, 1-based): chr2:229,811,182, G>A on the plus strand (C>T on the coding strand, the complement: TRIP12 is on the minus strand). VCF-style: chr2-229811182-G-A. GRCh37 (hg19) VCF-style: chr2-230675898-G-A.
Other names: c.2009C>T, p.Thr670Ile (NM_001284214.2, NM_001348315.2, NM_001348319.1 and 11 more transcripts); c.1883C>T, p.Thr628Ile (NM_001284215.2, NM_001348316.2, NM_001348317.1 and 2 more transcripts); c.974C>T, p.Thr325Ile (NM_001284216.2); c.1922C>T, p.Thr641Ile (NM_001348332.1); c.1865C>T, p.Thr622Ile (NM_004238.3); short protein forms T325I, T622I, T628I, T641I, T670I.
Identifiers: ClinVar variation 2437324 (VCV002437324.4), dbSNP rs2047157169, ClinGen allele CA350919882.
Genomic context (GRCh38, chr2:229,811,182, plus strand): 5'-GACTAAACACTTACCTCCTCATGCTGGAAGTTGTCCACTAGGCGTGCAAAACAAAGGCAA[G>A]TGCTTTCTACTGACTTTTTATCCTATTTTTTTAATAAAGGAAAATAAAATTTATTAGCAT-3'
Protein context (NP_001335252.1, residues 660-680): THQDKKSVES[Thr670Ile]CLCFARLVDN

ClinVar aggregate classification (germline): Uncertain significance. Review status: criteria provided, multiple submitters, no conflicts (2 of 4 stars). 2 submissions from 2 submitters: Uncertain significance (2). Last evaluated 2022-03-22.

Conditions:
Clark-Baraitser syndrome. Also called: MENTAL RETARDATION, AUTOSOMAL DOMINANT 49; BARAITSER SYNDROME; Mental retardation, tall stature, obesity, macrocephaly and typical facial features; Intellectual disability, autosomal dominant 49. Identifiers: Orphanet 600731, MedGen C2931130, MONDO:0030914, OMIM 617752.

Allele frequency attached by ClinVar (database versions not stated): gnomAD 0.00001.
gnomAD v4.1: 1 of 1,613,788 alleles (0.000062%); highest among the groups gnomAD compares: African/African-American, 0.0013%; no homozygotes.

Submissions (2):

Revvity Omics, Revvity
Classification: Uncertain significance for Clark-Baraitser syndrome. Last evaluated: 2022-03-22. Review status: criteria provided, single submitter. Criteria: ACMG Guidelines, 2015. Collection method: clinical testing. Allele origin: germline.

Neuberg Centre For Genomic Medicine, NCGM
Classification: Uncertain significance for Clark-Baraitser syndrome. Review status: criteria provided, single submitter. Criteria: ACMG Guidelines, 2015. Collection method: clinical testing. Allele origin: germline. Inheritance: Autosomal dominant inheritance. Affected: yes.
Comment: The missense c.2009C>T (p.Thr670Ile) variant in TRIP12 gene has not been reported previously as a pathogenic variant nor as a benign variant, to our knowledge. The p.Thr670Ile variant is novel (not in any individuals) in both gnomAD Exomes and 1000 Genomes databases. This variant has not been reported to the ClinVar database. The amino acid change p.Thr670Ile in TRIP12 is predicted as conserved by GERP++ and PhyloP across 100 vertebrates. The amino acid Thr at position 670 is changed to a Ile changing protein sequence and it might alter its composition and physico-chemical properties. For these reasons, this variant has been classified as a Variant of Uncertain Significance (VUS).